The following is an entry in ClinVar:

ClinVar aggregate classification (germline): Likely pathogenic (1 of 4 stars; one submission).

Conditions:
Duchenne muscular dystrophy (DMD). Also called: Duchenne Muscular Dystrophy (DMD); MUSCULAR DYSTROPHY, PSEUDOHYPERTROPHIC PROGRESSIVE, DUCHENNE TYPE. Identifiers: Orphanet 98896, MedGen C0013264, MONDO:0010679, OMIM 310200.

Submission:

Labcorp Genetics (formerly Invitae), Labcorp
Classification: Likely pathogenic for Duchenne muscular dystrophy. Last evaluated: 2022-07-19. Review status: criteria provided, single submitter. Criteria: Invitae Variant Classification Sherloc (09022015). Collection method: clinical testing. Allele origin: germline.
Comment: In summary, the currently available evidence indicates that the variant is pathogenic, but additional data are needed to prove that conclusively. Therefore, this variant has been classified as Likely Pathogenic. This variant has not been reported in the literature in individuals affected with DMD-related conditions. This variant results in the deletion of part of exon 51 (c.7497_7542+6712del) of the DMD gene. It is expected to disrupt RNA splicing. Variants that disrupt the donor or acceptor splice site typically lead to a loss of protein function (PMID: 16199547), and loss-of-function variants in DMD are known to be pathogenic (PMID: 16770791, 25007885).

Literature cited by the submitters: PubMed 16199547; PubMed 16770791; PubMed 25007885.

NC_000023.10:g.(?_31785365)_(31792122_?)del

Gene: DMD (dystrophin; minus strand). Cytogenetic location: Xp21.1.
Variant type: Deletion.
Identifiers: ClinVar variation 2425000 (VCV002425000.5).